The following is an entry in ClinVar:

ClinVar aggregate classification (germline): Uncertain significance. Review status: criteria provided, multiple submitters, no conflicts (2 of 4 stars). 2 submissions from 2 submitters: Uncertain significance (2). Last evaluated 2025-12-20.

Conditions:
RYR1-related disorder. Also called: RYR1-related condition; RYR1-related disorders. Identifiers: MedGen CN239331.

Allele frequency attached by ClinVar (database versions not stated): TOPMed below 0.00001; gnomAD 0.00001; gnomAD exomes 0.00001.
gnomAD v4.1: 13 of 1,609,948 alleles (0.00081%); highest among the groups gnomAD compares: Non-Finnish European, 0.0011%; no homozygotes.

Submissions (2):

Labcorp Genetics (formerly Invitae), Labcorp
Classification: Uncertain significance for RYR1-related disorder. Last evaluated: 2025-12-20. Review status: criteria provided, single submitter. Criteria: Invitae Variant Classification Sherloc (09022015). Collection method: clinical testing. Allele origin: germline.
Comment: This sequence change replaces arginine, which is basic and polar, with glycine, which is neutral and non-polar, at codon 1660 of the RYR1 protein (p.Arg1660Gly). This variant is not present in population databases (gnomAD no frequency). This variant has not been reported in the literature in individuals affected with RYR1-related conditions. ClinVar contains an entry for this variant (Variation ID: 429482). Invitae Evidence Modeling of protein sequence and biophysical properties (such as structural, functional, and spatial information, amino acid conservation, physicochemical variation, residue mobility, and thermodynamic stability) indicates that this missense variant is not expected to disrupt RYR1 protein function with a negative predictive value of 80%. In summary, the available evidence is currently insufficient to determine the role of this variant in disease. Therefore, it has been classified as a Variant of Uncertain Significance.

GeneDx
Classification: Uncertain significance. Last evaluated: 2023-09-02. Review status: criteria provided, single submitter. Criteria: GeneDx Variant Classification Process June 2021. Collection method: clinical testing. Allele origin: germline. Affected: yes.
Comment: Not observed at significant frequency in large population cohorts (gnomAD); In silico analysis supports that this missense variant has a deleterious effect on protein structure/function; Has not been previously published as pathogenic or benign to our knowledge

NM_000540.3(RYR1):c.4978C>G (p.Arg1660Gly)

Gene: RYR1 (ryanodine receptor 1; plus strand). Cytogenetic location: 19q13.2.
Variant type: single nucleotide variant.
Coding change: c.4978C>G on transcript NM_000540.3 (MANE Select); coding-DNA position 4978, C replaced by G.
Protein change: p.Arg1660Gly; replaces arginine 1660 with glycine.
Molecular consequence: missense variant.
Genome position (GRCh38, 1-based): chr19:38,485,633, C>G. VCF-style: chr19-38485633-C-G. GRCh37 (hg19) VCF-style: chr19-38976273-C-G.
Other names: c.4978C>G, p.Arg1660Gly (NM_001042723.2); short protein forms R1660G.
Identifiers: ClinVar variation 429482 (VCV000429482.10), dbSNP rs1131691406, ClinGen allele CA405652791.